The following is an entry in ClinVar:

ClinVar aggregate classification (germline): Uncertain significance (1 of 4 stars; one submission).

Allele frequency attached by ClinVar (database versions not stated): gnomAD exomes below 0.00001.
gnomAD v4.1: 2 of 1,597,240 alleles (0.00013%); highest among the groups gnomAD compares: African/African-American, 0.0014%; no homozygotes.

Submission:

GeneDx
Classification: Uncertain significance. Last evaluated: 2023-03-29. Review status: criteria provided, single submitter. Criteria: GeneDx Variant Classification Process June 2021. Collection method: clinical testing. Allele origin: germline. Affected: yes.
Comment: Not observed at significant frequency in large population cohorts (gnomAD); In silico analysis supports that this missense variant does not alter protein structure/function; Has not been previously published as pathogenic or benign to our knowledge; This variant is associated with the following publications: (PMID: 27839871)

NM_001134407.3(GRIN2A):c.1525G>C (p.Val509Leu)

Gene: GRIN2A (glutamate ionotropic receptor NMDA type subunit 2A; minus strand). Cytogenetic location: 16p13.2.
Variant type: single nucleotide variant.
Coding change: c.1525G>C on transcript NM_001134407.3 (MANE Select); coding-DNA position 1525, G replaced by C.
Protein change: p.Val509Leu; replaces valine 509 with leucine.
Molecular consequence: missense variant.
Genome position (GRCh38, 1-based): chr16:9,840,773, C>G on the plus strand (G>C on the coding strand, the complement: GRIN2A is on the minus strand). VCF-style: chr16-9840773-C-G. GRCh37 (hg19) VCF-style: chr16-9934630-C-G.
Other names: c.1525G>C, p.Val509Leu (NM_000833.5, NM_001134408.2); short protein forms V509L.
Identifiers: ClinVar variation 2582148 (VCV002582148.1), dbSNP rs2042660049, ClinGen allele CA394800443.